The following is an entry in ClinVar:

ClinVar aggregate classification (germline): Uncertain significance (1 of 4 stars; one submission).

Allele frequency attached by ClinVar (database versions not stated): gnomAD exomes 0.00001 and 0.00002; TOPMed 0.00001; ExAC 0.00002; gnomAD 0.00002.
gnomAD v4.1: 12 of 1,613,988 alleles (0.00074%); highest among the groups gnomAD compares: Middle Eastern, 0.016%; no homozygotes.

Submission:

Labcorp Genetics (formerly Invitae), Labcorp
Classification: Uncertain significance. Last evaluated: 2021-04-08. Review status: criteria provided, single submitter. Criteria: Invitae Variant Classification Sherloc (09022015). Collection method: clinical testing. Allele origin: germline.
Comment: In summary, the available evidence is currently insufficient to determine the role of this variant in disease. Therefore, it has been classified as a Variant of Uncertain Significance. Algorithms developed to predict the effect of missense changes on protein structure and function output the following: SIFT: "Deleterious"; PolyPhen-2: "Benign"; Align-GVGD: "Class C0". The tryptophan amino acid residue is found in multiple mammalian species, suggesting that this missense change does not adversely affect protein function. These predictions have not been confirmed by published functional studies and their clinical significance is uncertain. This sequence change replaces arginine with tryptophan at codon 54 of the C8B protein (p.Arg54Trp). The arginine residue is moderately conserved and there is a moderate physicochemical difference between arginine and tryptophan. This variant is present in population databases (rs773352047, ExAC 0.02%). This variant has not been reported in the literature in individuals with C8B-related conditions.

NM_000066.4(C8B):c.160C>T (p.Arg54Trp)

Gene: C8B (complement C8 beta chain; minus strand). Cytogenetic location: 1p32.2.
Variant type: single nucleotide variant.
Coding change: c.160C>T on transcript NM_000066.4 (MANE Select); coding-DNA position 160, C replaced by T.
Protein change: p.Arg54Trp; replaces arginine 54 with tryptophan.
Molecular consequence: missense variant. On other transcripts: 5 prime UTR variant (1).
Genome position (GRCh38, 1-based): chr1:56,960,109, G>A on the plus strand (C>T on the coding strand, the complement: C8B is on the minus strand). VCF-style: chr1-56960109-G-A. GRCh37 (hg19) VCF-style: chr1-57425782-G-A.
Other names: c.4C>T, p.Arg2Trp (NM_001278543.2); c.-156C>T (NM_001278544.2); short protein forms R2W, R54W.
Identifiers: ClinVar variation 1500676 (VCV001500676.7), dbSNP rs773352047, ClinGen allele CA876086.